The following continues an entry in ClinVar:

NM_000260.4(MYO7A):c.2558G>A (p.Arg853His)

Gene: MYO7A. ClinVar aggregate classification (germline): Likely pathogenic. Likely pathogenic (1).

Submissions 9 to 15 of 15:

Blueprint Genetics
Classification: Likely pathogenic for MYO7A-related disorders. Last evaluated: 2022-09-25. Review status: criteria provided, single submitter. Criteria: ACMG Guidelines, 2015. Collection method: clinical testing. Allele origin: germline. Affected: yes. Observed: 3 variant alleles. Not counted in ClinVar's aggregate classification.

Knight Diagnostic Laboratories, Oregon Health and Sciences University
Classification: Likely pathogenic. Last evaluated: 2019-11-27. Review status: criteria provided, single submitter. Criteria: ACMG Guidelines, 2015. Collection method: clinical testing. Allele origin: germline. Observed: 1 variant allele. Not counted in ClinVar's aggregate classification.

Fulgent Genetics
Classification: Uncertain significance for Usher syndrome type 1; Autosomal recessive nonsyndromic hearing loss 2; Autosomal dominant nonsyndromic hearing loss 11. Last evaluated: 2018-10-31. Review status: criteria provided, single submitter. Criteria: ACMG Guidelines, 2015. Collection method: clinical testing. Allele origin: unknown. Not counted in ClinVar's aggregate classification.

National Institute of Sensory Organs, National Hospital Organization Tokyo Medical Center
Classification: Likely pathogenic for Autosomal dominant nonsyndromic hearing loss 11. Last evaluated: 2018-04-24. Review status: criteria provided, single submitter. Criteria: ACMG Guidelines, 2015. Collection method: research. Allele origin: germline. Inheritance: Autosomal dominant inheritance. Affected: yes. Observed: 12 variant alleles, 12 heterozygotes. Clinical features observed: Sensorineural hearing loss disorder (HP:0000407), Mild hearing impairment (HP:0012712), Moderate hearing impairment (HP:0012713), Childhood onset sensorineural hearing impairment (HP:0011474), Progressive sensorineural hearing impairment (HP:0000408). Not counted in ClinVar's aggregate classification.
Comment: The variant was identified using linkage analysis from a pedigree showing hearing loss for 5-generations. The locus between rs1462224 and rs591804 showed HLOD score >3.0. Variants of the two deafness genes (CABP2 and LRTOMT) on the locus were not cosegregated with hearing loss. MYO7A was mapped on the adjacent region, where the LOD score was >2.0.

Eurofins Ntd Llc (ga)
Classification: Uncertain significance. Last evaluated: 2015-03-20. Review status: criteria provided, single submitter. Criteria: EGL Classification Definitions 2015. Collection method: clinical testing. Allele origin: germline. Observed: 1 variant allele, 1 heterozygote. Not counted in ClinVar's aggregate classification.

Laboratory for Molecular Medicine, Mass General Brigham Personalized Medicine
Classification: Uncertain significance. Last evaluated: 2013-11-03. Review status: criteria provided, single submitter. Criteria: LMM Criteria. Collection method: clinical testing. Allele origin: germline. Observed: 3 variant alleles. Not counted in ClinVar's aggregate classification.
Comment: Variant classified as Uncertain Significance - Favor Pathogenic. The Arg853His v ariant in MYO7A has been reported in a German family with autosomal dominant pro gressive hearing loss where it was shown to segregate with hearing loss in 4 aff ected family members (Bolz 2004). An impact to protein function was proposed by the authors based upon an in vitro assay. The variant has also been reported in another individual with hearing loss; however phenotypic data for this individu al (including a likely inheritance pattern) was not provided (Shearer 2013). Dat a from large population studies is insufficient, and computational analyses (bio chemical amino acid properties, conservation, AlignGVGD, PolyPhen2, and SIFT) do not provide strong support for or against an impact to the protein. In summary , additional information is needed to fully assess the clinical significance of the Arg853His variant.

Clinical Genetics Laboratory, University Hospital Schleswig-Holstein
Classification: Pathogenic for Autosomal dominant nonsyndromic hearing loss 11. Last evaluated: 2024-02-22. Review status: no assertion criteria provided. Collection method: clinical testing. Allele origin: germline. Affected: yes. Not counted in ClinVar's aggregate classification.

Literature cited by the submitters: PubMed 32097363 (cited by 3 submitters); PubMed 23804846 (cited by Variantyx, Inc. and Laboratory for Molecular Medicine, Mass General Brigham Personalized Medicine); PubMed 26969326 (cited by 3 submitters); PubMed 38594301 (cited by Natera, Inc. and Ambry Genetics); PubMed 35640668 (cited by Natera, Inc.); PubMed 34387732 (cited by Natera, Inc.); PubMed 36555390 (cited by Natera, Inc. and Ambry Genetics); PubMed 33724713 (cited by Ambry Genetics); PubMed 36515421 (cited by Ambry Genetics); PubMed 15300860 (cited by Laboratory for Molecular Medicine, Mass General Brigham Personalized Medicine).